The following is an entry in ClinVar:

NM_001292063.2(OTOG):c.1340A>G (p.Asn447Ser)

Gene: OTOG (otogelin; plus strand). Cytogenetic location: 11p15.1.
Variant type: single nucleotide variant.
Coding change: c.1340A>G on transcript NM_001292063.2 (MANE Select); coding-DNA position 1340, A replaced by G.
Protein change: p.Asn447Ser; replaces asparagine 447 with serine.
Molecular consequence: missense variant.
Genome position (GRCh38, 1-based): chr11:17,559,660, A>G. VCF-style: chr11-17559660-A-G. GRCh37 (hg19) VCF-style: chr11-17581207-A-G.
Other names: c.1376A>G, p.Asn459Ser (NM_001277269.2); short protein forms N459S, N447S.
Identifiers: ClinVar variation 504781 (VCV000504781.33), dbSNP rs115772736, ClinGen allele CA5905476.
Genomic context (GRCh38, chr11:17,559,660, plus strand): 5'-ATCCCCGGGCATCCTGTGTGGACAGTGAGATCGCCTGTGTGGACGGCTGCTATTGCCCCA[A>G]TGGTATGCTAGGGGCAGACGTAGGTGCCTGGCACCATCTTCCTGGCCTGGCACAGATGGC-3'
Protein context (NP_001278992.1, residues 437-457): IACVDGCYCP[Asn447Ser]GLIFEDGGCV

ClinVar aggregate classification (germline): Benign/Likely benign. Review status: criteria provided, multiple submitters, no conflicts (2 of 4 stars). 7 submissions from 7 submitters: Benign (2); Likely benign (4). 1 of the submissions does not count toward it. Last evaluated 2025-12-20.

Conditions:
OTOG-related disorder. Also called: OTOG-related condition.

Allele frequency attached by ClinVar (database versions not stated): gnomAD exomes 0.00047; ExAC 0.00054; gnomAD 0.00223 and 0.00238; 1000 Genomes Project 30x 0.00234; 1000 Genomes Project 0.00240; TOPMed 0.00241.
gnomAD v4.1: 689 of 1,550,190 alleles (0.044%); highest among the groups gnomAD compares: African/African-American, 0.79%; 2 homozygotes.

Submissions (7):

Labcorp Genetics (formerly Invitae), Labcorp
Classification: Benign. Last evaluated: 2025-12-20. Review status: criteria provided, single submitter. Criteria: Invitae Variant Classification Sherloc (09022015). Collection method: clinical testing. Allele origin: germline.

CeGaT Center for Human Genetics Tuebingen
Classification: Likely benign. Last evaluated: 2024-12-01. Review status: criteria provided, single submitter. Criteria: CeGaT Center For Human Genetics Tuebingen Variant Classification Criteria Version 2. Collection method: clinical testing. Allele origin: germline. Affected: yes. Observed: 1 variant allele.
Comment: OTOG: BP4, BS1

Blueprint Genetics
Classification: Likely benign. Last evaluated: 2024-07-06. Review status: criteria provided, single submitter. Criteria: ACMG Guidelines, 2015. Collection method: clinical testing. Allele origin: germline.

GeneDx
Classification: Likely benign. Last evaluated: 2021-02-19. Review status: criteria provided, single submitter. Criteria: GeneDx Variant Classification Process June 2021. Collection method: clinical testing. Allele origin: germline. Affected: yes.

Laboratory for Molecular Medicine, Mass General Brigham Personalized Medicine
Classification: Benign. Last evaluated: 2014-11-24. Review status: criteria provided, single submitter. Criteria: LMM Criteria. Collection method: clinical testing. Allele origin: germline. Observed: 2 variant alleles.
Comment: Asn459Ser in exon 11 of OTOG: This variant is not expected to have clinical sign ificance because it has been identified in 3.1% (6/194) of Luhya (Kenyan) chromo somes from a broad population by the 1000 Genomes Project (dbSNP rs115772736).

Breakthrough Genomics
Classification: Likely benign. Review status: criteria provided, single submitter. Criteria: ACMG Guidelines, 2015. Collection method: not provided. Allele origin: germline. Inheritance: Autosomal recessive inheritance. Affected: yes.

PreventionGenetics, part of Exact Sciences
Classification: Benign for OTOG-related condition. Last evaluated: 2024-07-15. Review status: no assertion criteria provided. Collection method: clinical testing. Allele origin: germline. Not counted in ClinVar's aggregate classification.
Comment: This variant is classified as benign based on ACMG/AMP sequence variant interpretation guidelines (Richards et al. 2015 PMID: 25741868, with internal and published modifications).